The following is an entry in ClinVar:

ClinVar aggregate classification (germline): Uncertain significance. Review status: criteria provided, multiple submitters, no conflicts (2 of 4 stars). 4 submissions from 3 submitters: Uncertain significance (4). Last evaluated 2025-07-14.

Conditions:
Retinitis pigmentosa 35 (RP35). Identifiers: Orphanet 791, MedGen C1853214, MONDO:0012463, OMIM 610282.
Cone-rod dystrophy 10 (CORD10). Identifiers: Orphanet 1872, MedGen C1846529, MONDO:0012464, OMIM 610283.

Allele frequency attached by ClinVar (database versions not stated): gnomAD exomes below 0.00001; ExAC 0.00001; gnomAD 0.00001; ESP Exome Variant Server 0.00008.
gnomAD v4.1: 4 of 1,613,766 alleles (0.00025%); highest among the groups gnomAD compares: Admixed American, 0.0017%; no homozygotes.

Submissions (4):

Ambry Genetics
Classification: Uncertain significance. Last evaluated: 2025-07-14. Review status: criteria provided, single submitter. Criteria: Ambry Variant Classification Scheme 2023. Collection method: clinical testing. Allele origin: germline.

Genome-Nilou Lab
Classification: Uncertain significance for Cone-rod dystrophy 10. Last evaluated: 2023-04-11. Review status: criteria provided, single submitter. Criteria: ACMG Guidelines, 2015. Collection method: clinical testing. Allele origin: germline. Affected: no.

Genome-Nilou Lab
Classification: Uncertain significance for Retinitis pigmentosa 35. Last evaluated: 2023-04-11. Review status: criteria provided, single submitter. Criteria: ACMG Guidelines, 2015. Collection method: clinical testing. Allele origin: germline. Affected: no.

Labcorp Genetics (formerly Invitae), Labcorp
Classification: Uncertain significance. Last evaluated: 2022-10-13. Review status: criteria provided, single submitter. Criteria: Invitae Variant Classification Sherloc (09022015). Collection method: clinical testing. Allele origin: germline.
Comment: This variant is present in population databases (rs374333337, gnomAD 0.0009%). This sequence change replaces valine, which is neutral and non-polar, with isoleucine, which is neutral and non-polar, at codon 132 of the SEMA4A protein (p.Val132Ile). This variant has not been reported in the literature in individuals affected with SEMA4A-related conditions. In summary, the available evidence is currently insufficient to determine the role of this variant in disease. Therefore, it has been classified as a Variant of Uncertain Significance. Advanced modeling of protein sequence and biophysical properties (such as structural, functional, and spatial information, amino acid conservation, physicochemical variation, residue mobility, and thermodynamic stability) performed at Invitae indicates that this missense variant is expected to disrupt SEMA4A protein function. ClinVar contains an entry for this variant (Variation ID: 1417181).

NM_022367.4(SEMA4A):c.394G>A (p.Val132Ile)

Gene: SEMA4A (semaphorin 4A; plus strand). Cytogenetic location: 1q22.
Variant type: single nucleotide variant.
Coding change: c.394G>A on transcript NM_022367.4 (MANE Select); coding-DNA position 394, G replaced by A.
Protein change: p.Val132Ile; replaces valine 132 with isoleucine.
Molecular consequence: missense variant. On other transcripts: 5 prime UTR variant (2), intron variant (1).
Genome position (GRCh38, 1-based): chr1:156,158,418, G>A. VCF-style: chr1-156158418-G-A. GRCh37 (hg19) VCF-style: chr1-156128209-G-A.
Other names: c.394G>A (NM_022367.3); c.394G>A, p.Val132Ile (NM_001193300.2, NM_001193301.2, NM_001370567.1); c.97G>A, p.Val33Ile (NM_001370568.1); c.-131G>A (NM_001370569.1, NM_001370571.1); c.66+286G>A (NM_001193302.2); short protein forms V132I, V33I.
Identifiers: ClinVar variation 1417181 (VCV001417181.10), dbSNP rs374333337, ClinGen allele CA1155025.